The following is an entry in ClinVar:

NC_000014.8:g.(?_76542999)_(76544540_?)del

Gene: IFT43 (intraflagellar transport 43; plus strand). Cytogenetic location: 14q24.3.
Variant type: Deletion.
Identifiers: ClinVar variation 2427155 (VCV002427155.4).

ClinVar aggregate classification (germline): Likely pathogenic (1 of 4 stars; one submission).

Submission:

Labcorp Genetics (formerly Invitae), Labcorp
Classification: Likely pathogenic. Last evaluated: 2022-07-09. Review status: criteria provided, single submitter. Criteria: Invitae Variant Classification Sherloc (09022015). Collection method: clinical testing. Allele origin: germline.
Comment: In summary, the currently available evidence indicates that the variant is pathogenic, but additional data are needed to prove that conclusively. Therefore, this variant has been classified as Likely Pathogenic. This variant has not been reported in the literature in individuals affected with IFT43-related conditions. This variant results in the deletion of part of exon 4 (c.275_310+1506del) of the IFT43 gene. It is expected to disrupt RNA splicing. Variants that disrupt the donor or acceptor splice site typically lead to a loss of protein function (PMID: 16199547), and loss-of-function variants in IFT43 are known to be pathogenic (PMID: 21378380, 28400947).

Literature cited by the submitters: PubMed 16199547; PubMed 21378380; PubMed 28400947.